The following is an entry in ClinVar:

NM_006766.5(KAT6A):c.1483-18T>G

Gene: KAT6A (lysine acetyltransferase 6A; minus strand). Cytogenetic location: 8p11.21.
Variant type: single nucleotide variant.
Coding change: c.1483-18T>G on transcript NM_006766.5 (MANE Select); 18 bases into the intron before coding-DNA position 1483, T replaced by G.
Molecular consequence: intron variant.
Genome position (GRCh38, 1-based): chr8:41,955,429, A>C on the plus strand (T>G on the coding strand, the complement: KAT6A is on the minus strand). VCF-style: chr8-41955429-A-C. GRCh37 (hg19) VCF-style: chr8-41812947-A-C.
Other names: c.1483-18T>G (NM_001305878.2).
Identifiers: ClinVar variation 3622762 (VCV003622762.2).

ClinVar aggregate classification (germline): Uncertain significance (1 of 4 stars; one submission).

Submission:

Labcorp Genetics (formerly Invitae), Labcorp
Classification: Uncertain significance. Last evaluated: 2025-01-29. Review status: criteria provided, single submitter. Criteria: Invitae Variant Classification Sherloc (09022015). Collection method: clinical testing. Allele origin: germline.
Comment: This sequence change falls in intron 8 of the KAT6A gene. It does not directly change the encoded amino acid sequence of the KAT6A protein. This variant is not present in population databases (gnomAD no frequency). This variant has not been reported in the literature in individuals affected with KAT6A-related conditions. Algorithms developed to predict the effect of sequence changes on RNA splicing suggest that this variant may disrupt the consensus splice site. In summary, the available evidence is currently insufficient to determine the role of this variant in disease. Therefore, it has been classified as a Variant of Uncertain Significance.